The following is an entry in ClinVar:

NM_016247.4(IMPG2):c.860A>G (p.Tyr287Cys)

Gene: IMPG2 (interphotoreceptor matrix proteoglycan 2; minus strand). Cytogenetic location: 3q12.3.
Variant type: single nucleotide variant.
Coding change: c.860A>G on transcript NM_016247.4 (MANE Select); coding-DNA position 860, A replaced by G.
Protein change: p.Tyr287Cys; replaces tyrosine 287 with cysteine.
Molecular consequence: missense variant.
Genome position (GRCh38, 1-based): chr3:101,269,542, T>C on the plus strand (A>G on the coding strand, the complement: IMPG2 is on the minus strand). VCF-style: chr3-101269542-T-C. GRCh37 (hg19) VCF-style: chr3-100988386-T-C.
Other names: short protein forms Y287C.
Identifiers: ClinVar variation 1007988 (VCV001007988.7), dbSNP rs1434734155, ClinGen allele CA353867427.

ClinVar aggregate classification (germline): Uncertain significance. Review status: criteria provided, multiple submitters, no conflicts (2 of 4 stars). 2 submissions from 2 submitters: Uncertain significance (2). Last evaluated 2022-07-15.

Allele frequency attached by ClinVar (database versions not stated): gnomAD exomes below 0.00001 and 0.00002; gnomAD 0.00001; TOPMed 0.00002.
gnomAD v4.1: 28 of 1,597,318 alleles (0.0018%); highest among the groups gnomAD compares: Non-Finnish European, 0.0022%; no homozygotes.

Submissions (2):

Labcorp Genetics (formerly Invitae), Labcorp
Classification: Uncertain significance. Last evaluated: 2022-07-15. Review status: criteria provided, single submitter. Criteria: Invitae Variant Classification Sherloc (09022015). Collection method: clinical testing. Allele origin: germline.
Comment: ClinVar contains an entry for this variant (Variation ID: 1007988). In summary, the available evidence is currently insufficient to determine the role of this variant in disease. Therefore, it has been classified as a Variant of Uncertain Significance. Algorithms developed to predict the effect of missense changes on protein structure and function (SIFT, PolyPhen-2, Align-GVGD) all suggest that this variant is likely to be disruptive. This variant has not been reported in the literature in individuals affected with IMPG2-related conditions. This variant is present in population databases (no rsID available, gnomAD 0.007%). This sequence change replaces tyrosine, which is neutral and polar, with cysteine, which is neutral and slightly polar, at codon 287 of the IMPG2 protein (p.Tyr287Cys).

Blueprint Genetics
Classification: Uncertain significance. Last evaluated: 2021-08-18. Review status: criteria provided, single submitter. Criteria: ACMG Guidelines, 2015. Collection method: clinical testing. Allele origin: germline.